The following is an entry in ClinVar:

NM_014780.5(CUL7):c.3979G>T (p.Asp1327Tyr)

Gene: CUL7 (cullin 7; minus strand). Cytogenetic location: 6p21.1.
Variant type: single nucleotide variant.
Coding change: c.3979G>T on transcript NM_014780.5 (MANE Select); coding-DNA position 3979, G replaced by T.
Protein change: p.Asp1327Tyr; replaces aspartic acid 1327 with tyrosine.
Molecular consequence: missense variant.
Genome position (GRCh38, 1-based): chr6:43,040,574, C>A on the plus strand (G>T on the coding strand, the complement: CUL7 is on the minus strand). VCF-style: chr6-43040574-C-A. GRCh37 (hg19) VCF-style: chr6-43008312-C-A.
Other names: c.4075G>T, p.Asp1359Tyr (NM_001168370.2, NM_001374872.1); c.3979G>T, p.Asp1327Tyr (NM_001374873.1); c.3976G>T, p.Asp1326Tyr (NM_001374874.1); short protein forms D1326Y, D1327Y, D1359Y.
Identifiers: ClinVar variation 3010457 (VCV003010457.3), dbSNP rs758375607, ClinGen allele CA364196471.

ClinVar aggregate classification (germline): Uncertain significance (1 of 4 stars; one submission).

Allele frequency attached by ClinVar (database versions not stated): TOPMed below 0.00001; gnomAD 0.00001.
gnomAD v4.1: 5 of 1,614,098 alleles (0.00031%); highest among the groups gnomAD compares: Non-Finnish European, 0.00042%; no homozygotes.

Submission:

Labcorp Genetics (formerly Invitae), Labcorp
Classification: Uncertain significance. Last evaluated: 2023-11-09. Review status: criteria provided, single submitter. Criteria: Invitae Variant Classification Sherloc (09022015). Collection method: clinical testing. Allele origin: germline.
Comment: This sequence change replaces aspartic acid, which is acidic and polar, with tyrosine, which is neutral and polar, at codon 1327 of the CUL7 protein (p.Asp1327Tyr). This variant is not present in population databases (gnomAD no frequency). This variant has not been reported in the literature in individuals affected with CUL7-related conditions. Advanced modeling of protein sequence and biophysical properties (such as structural, functional, and spatial information, amino acid conservation, physicochemical variation, residue mobility, and thermodynamic stability) has been performed at Invitae for this missense variant, however the output from this modeling did not meet the statistical confidence thresholds required to predict the impact of this variant on CUL7 protein function. In summary, the available evidence is currently insufficient to determine the role of this variant in disease. Therefore, it has been classified as a Variant of Uncertain Significance.